The following is an entry in ClinVar:

NM_000059.4(BRCA2):c.535C>A (p.His179Asn)

Gene: BRCA2 (BRCA2 DNA repair associated; plus strand). Cytogenetic location: 13q13.1.
Variant type: single nucleotide variant.
Coding change: c.535C>A on transcript NM_000059.4 (MANE Select); coding-DNA position 535, C replaced by A.
Protein change: p.His179Asn; replaces histidine 179 with asparagine.
Molecular consequence: missense variant.
Genome position (GRCh38, 1-based): chr13:32,326,517, C>A. VCF-style: chr13-32326517-C-A. GRCh37 (hg19) VCF-style: chr13-32900654-C-A.
Other names: c.535C>A, p.His179Asn (NM_001406719.1, NM_001406720.1, NM_001406721.1); c.166C>A, p.His56Asn (NM_001406722.1); short protein forms H179N, H56N.
Identifiers: ClinVar variation 1747052 (VCV001747052.2), dbSNP rs2137452082, ClinGen allele CA387757828.

ClinVar aggregate classification (germline): Uncertain significance (1 of 4 stars; one submission).

Conditions:
Hereditary cancer-predisposing syndrome. Also called: Hereditary Cancer Syndrome; Neoplastic Syndromes, Hereditary; Tumor predisposition; Hereditary neoplastic syndrome. Identifiers: Orphanet 140162, MedGen C0027672, MeSH D009386, MONDO:0015356.

Allele frequency attached by ClinVar (database versions not stated): gnomAD exomes below 0.00001.
gnomAD v4.1: 1 of 1,613,472 alleles (0.000062%); highest among the groups gnomAD compares: Non-Finnish European, 0.000085%; no homozygotes.

Submission:

Ambry Genetics
Classification: Uncertain significance for Hereditary cancer-predisposing syndrome. Last evaluated: 2017-02-16. Review status: criteria provided, single submitter. Criteria: Ambry Variant Classification Scheme 2023. Collection method: clinical testing. Allele origin: germline.
Comment: The p.H179N variant (also known as c.535C>A), located in coding exon 6 of the BRCA2 gene, results from a C to A substitution at nucleotide position 535. The histidine at codon 179 is replaced by asparagine, an amino acid with similar properties. This amino acid position is poorly conserved in available vertebrate species. In addition, this alteration is predicted to be tolerated by in silico analysis. Since supporting evidence is limited at this time, the clinical significance of this alteration remains unclear.